The following is an entry in ClinVar:

NM_004304.5(ALK):c.2245A>G (p.Asn749Asp)

Gene: ALK (ALK receptor tyrosine kinase; minus strand). Cytogenetic location: 2p23.2.
Variant type: single nucleotide variant.
Coding change: c.2245A>G on transcript NM_004304.5 (MANE Select); coding-DNA position 2245, A replaced by G.
Protein change: p.Asn749Asp; replaces asparagine 749 with aspartic acid.
Molecular consequence: missense variant.
Genome position (GRCh38, 1-based): chr2:29,239,790, T>C on the plus strand (A>G on the coding strand, the complement: ALK is on the minus strand). VCF-style: chr2-29239790-T-C. GRCh37 (hg19) VCF-style: chr2-29462656-T-C.
Other names: short protein forms N749D.
Identifiers: ClinVar variation 3223828 (VCV003223828.1), dbSNP rs776967659, ClinGen allele CA1594380.

ClinVar aggregate classification (germline): Uncertain significance (1 of 4 stars; one submission).

Conditions:
Hereditary cancer-predisposing syndrome. Also called: Tumor predisposition; Hereditary neoplastic syndrome; Hereditary Cancer Syndrome; Neoplastic Syndromes, Hereditary. Identifiers: Orphanet 140162, MedGen C0027672, MeSH D009386, MONDO:0015356.

Allele frequency attached by ClinVar (database versions not stated): ExAC 0.00001.

Submission:

Ambry Genetics
Classification: Uncertain significance for Hereditary cancer-predisposing syndrome. Last evaluated: 2023-10-09. Review status: criteria provided, single submitter. Criteria: Ambry Variant Classification Scheme 2023. Collection method: clinical testing. Allele origin: germline.
Comment: The p.N749D variant (also known as c.2245A>G), located in coding exon 13 of the ALK gene, results from an A to G substitution at nucleotide position 2245. The asparagine at codon 749 is replaced by aspartic acid, an amino acid with highly similar properties. This amino acid position is conserved. In addition, this alteration is predicted to be tolerated by in silico analysis. Since supporting evidence is limited at this time, the clinical significance of this alteration remains unclear.